The following is an entry in ClinVar:

ClinVar aggregate classification (germline): Uncertain significance. Review status: criteria provided, multiple submitters, no conflicts (2 of 4 stars). 3 submissions from 3 submitters: Uncertain significance (3). Last evaluated 2025-09-28.

Allele frequency attached by ClinVar (database versions not stated): gnomAD exomes 0.00002 and 0.00006; ESP Exome Variant Server 0.00015; 1000 Genomes Project 0.00060; 1000 Genomes Project 30x 0.00062; ExAC 0.00007; TOPMed 0.00032; gnomAD 0.00036 and 0.00033.

Submissions (3):

Ambry Genetics
Classification: Uncertain significance. Last evaluated: 2025-09-28. Review status: criteria provided, single submitter. Criteria: Ambry Variant Classification Scheme 2023. Collection method: clinical testing. Allele origin: germline.

Labcorp Genetics (formerly Invitae), Labcorp
Classification: Uncertain significance. Last evaluated: 2023-12-11. Review status: criteria provided, single submitter. Criteria: Invitae Variant Classification Sherloc (09022015). Collection method: clinical testing. Allele origin: germline.
Comment: This sequence change replaces histidine, which is basic and polar, with tyrosine, which is neutral and polar, at codon 1100 of the PLEKHG2 protein (p.His1100Tyr). This variant is present in population databases (rs146135931, gnomAD 0.08%). This variant has not been reported in the literature in individuals affected with PLEKHG2-related conditions. ClinVar contains an entry for this variant (Variation ID: 1403606). An algorithm developed to predict the effect of missense changes on protein structure and function (PolyPhen-2) suggests that this variant¬†is likely to be tolerated. In summary, the available evidence is currently insufficient to determine the role of this variant in disease. Therefore, it has been classified as a Variant of Uncertain Significance.

GeneDx
Classification: Uncertain significance. Last evaluated: 2022-12-13. Review status: criteria provided, single submitter. Criteria: GeneDx Variant Classification Process June 2021. Collection method: clinical testing. Allele origin: germline. Affected: yes.
Comment: Variants in candidate genes are classified as variants of uncertain significance in accordance with ACMG guidelines (Richards et al., 2015); In silico analysis supports that this missense variant does not alter protein structure/function; Has not been previously published as pathogenic or benign to our knowledge

NM_022835.3(PLEKHG2):c.3298C>T (p.His1100Tyr)

Gene: PLEKHG2 (pleckstrin homology and RhoGEF domain containing G2; plus strand). Cytogenetic location: 19q13.2.
Variant type: single nucleotide variant.
Coding change: c.3298C>T on transcript NM_022835.3 (MANE Select); coding-DNA position 3298, C replaced by T.
Protein change: p.His1100Tyr; replaces histidine 1100 with tyrosine.
Molecular consequence: missense variant. On other transcripts: intron variant (1).
Genome position (GRCh38, 1-based): chr19:39,424,431, C>T. VCF-style: chr19-39424431-C-T. GRCh37 (hg19) VCF-style: chr19-39915071-C-T.
Other names: c.3121C>T, p.His1041Tyr (NM_001351693.2); c.1678-807C>T (NM_001351694.2); c.3298C>T (NM_022835.2); short protein forms H1100Y, H1041Y.
Identifiers: ClinVar variation 1403606 (VCV001403606.9), dbSNP rs146135931, ClinGen allele CA9429963.